The following is an entry in ClinVar:

NM_001710.6(CFB):c.544C>T (p.Arg182Cys)

Gene: CFB (complement factor B; plus strand). Cytogenetic location: 6p21.33.
Variant type: single nucleotide variant.
Coding change: c.544C>T on transcript NM_001710.6 (MANE Select); coding-DNA position 544, C replaced by T.
Protein change: p.Arg182Cys; replaces arginine 182 with cysteine.
Molecular consequence: missense variant.
Genome position (GRCh38, 1-based): chr6:31,947,407, C>T. VCF-style: chr6-31947407-C-T. GRCh37 (hg19) VCF-style: chr6-31915184-C-T.
Other names: short protein forms R182C.
Identifiers: ClinVar variation 2964375 (VCV002964375.3), dbSNP rs1446329739, ClinGen allele CA363392744.

ClinVar aggregate classification (germline): Uncertain significance (1 of 4 stars; one submission).

Allele frequency attached by ClinVar (database versions not stated): gnomAD 0.00003; TOPMed 0.00002; gnomAD exomes 0.00001.
gnomAD v4.1: 20 of 1,612,906 alleles (0.0012%); highest among the groups gnomAD compares: East Asian, 0.0022%; no homozygotes.

Submission:

Labcorp Genetics (formerly Invitae), Labcorp
Classification: Uncertain significance. Last evaluated: 2025-06-23. Review status: criteria provided, single submitter. Criteria: Invitae Variant Classification Sherloc (09022015). Collection method: clinical testing. Allele origin: germline.
Comment: This sequence change replaces arginine, which is basic and polar, with cysteine, which is neutral and slightly polar, at codon 182 of the CFB protein (p.Arg182Cys). This variant is present in population databases (no rsID available, gnomAD 0.01%). This variant has not been reported in the literature in individuals affected with CFB-related conditions. ClinVar contains an entry for this variant (Variation ID: 2964375). Invitae Evidence Modeling of protein sequence and biophysical properties (such as structural, functional, and spatial information, amino acid conservation, physicochemical variation, residue mobility, and thermodynamic stability) has been performed for this missense variant. However, the output from this modeling did not meet the statistical confidence thresholds required to predict the impact of this variant on CFB protein function. In summary, the available evidence is currently insufficient to determine the role of this variant in disease. Therefore, it has been classified as a Variant of Uncertain Significance.